The following is an entry in ClinVar:

NM_007294.4(BRCA1):c.5386T>G (p.Ser1796Ala)

Gene: BRCA1 (BRCA1 DNA repair associated; minus strand). Cytogenetic location: 17q21.31.
Variant type: single nucleotide variant.
Coding change: c.5386T>G on transcript NM_007294.4 (MANE Select); coding-DNA position 5386, T replaced by G.
Protein change: p.Ser1796Ala; replaces serine 1796 with alanine.
Molecular consequence: missense variant. On other transcripts: non-coding transcript variant (1), intron variant (1).
Genome position (GRCh38, 1-based): chr17:43,049,141, A>C on the plus strand (T>G on the coding strand, the complement: BRCA1 is on the minus strand). VCF-style: chr17-43049141-A-C. GRCh37 (hg19) VCF-style: chr17-41201158-A-C.
Other names: c.1933T>G, p.Ser645Ala (NM_001408467.1, NM_001408458.1, NM_001408459.1 and 7 more transcripts); c.1930T>G, p.Ser644Ala (NM_001408468.1, NM_001408469.1, NM_001408470.1); c.1876T>G, p.Ser626Ala (NM_001408474.1); c.1873T>G, p.Ser625Ala (NM_001408475.1, NM_001408476.1); c.1867T>G, p.Ser623Ala (NM_001408478.1, NM_001408479.1, NM_001408480.1); c.5173T>G, p.Ser1725Ala (NM_001407571.1, NM_001407900.1, NM_001407902.1 and 12 more transcripts); c.5452T>G, p.Ser1818Ala (NM_001407581.1, NM_001407582.1); c.5449T>G, p.Ser1817Ala (NM_001407583.1, NM_001407585.1, NM_001407587.1 and 1 more transcripts); and 73 more; short protein forms S1749A, S1796A, S1817A, S692A, S1500A, S1667A, S1724A, S1726A.
Identifiers: ClinVar variation 868407 (VCV000868407.3), dbSNP rs2051078701, ClinGen allele CA10590701.

Conditions:
Breast-ovarian cancer, familial, susceptibility to, 1 (BROVCA1). Also called: BRCA1 Hereditary Breast and Ovarian Cancer; OVARIAN CANCER, SUSCEPTIBILITY TO. Identifiers: Orphanet 145, MedGen C2676676, MONDO:0011450, OMIM 604370. Disease mechanism: loss of function.

Submission:

Brotman Baty Institute, University of Washington
No classification provided (evidence only). Condition: Breast-ovarian cancer, familial 1. Review status: no classification provided. Collection method: in vitro. Allele origin: not applicable. Functional consequence: functionally_normal.
ClinVar note: "not provided" was previously submitted as the classification for the variant. However, the classification appeared to be based only on an observation of functional data so it was converted to no classification on 2025-07-30.